The following is an entry in ClinVar:

NM_001033046.4(CYBC1):c.202-58C>T

Gene: CYBC1 (cytochrome b-245 chaperone 1; minus strand). Cytogenetic location: 17q25.3.
Variant type: single nucleotide variant.
Coding change: c.202-58C>T on transcript NM_001033046.4 (MANE Select); 58 bases into the intron before coding-DNA position 202, C replaced by T.
Molecular consequence: intron variant.
Genome position (GRCh38, 1-based): chr17:82,446,018, G>A on the plus strand (C>T on the coding strand, the complement: CYBC1 is on the minus strand). VCF-style: chr17-82446018-G-A. GRCh37 (hg19) VCF-style: chr17-80403894-G-A.
Other names: c.160-58C>T (NM_001100408.3); c.202-58C>T (NM_001100407.3, NM_001193657.2, NM_001193654.2 and 2 more transcripts).
Identifiers: ClinVar variation 1291460 (VCV001291460.5), dbSNP rs2291394, ClinGen allele CA14493540.

ClinVar aggregate classification (germline): Benign. Review status: criteria provided, multiple submitters, no conflicts (2 of 4 stars). 3 submissions from 3 submitters: Benign (3). Last evaluated 2024-01-24.

Allele frequency attached by ClinVar (database versions not stated): gnomAD exomes 0.14940; gnomAD 0.15990 and 0.16496; TOPMed 0.17305; 1000 Genomes Project 30x 0.22377; 1000 Genomes Project 0.22384.
gnomAD v4.1: 211,871 of 1,402,906 alleles (15%); highest among the groups gnomAD compares: Admixed American, 32%; 17,803 homozygotes.

Submissions (3):

Unidad de Genómica Garrahan, Hospital de Pediatría Garrahan
Classification: Benign. Last evaluated: 2024-01-24. Review status: criteria provided, single submitter. Criteria: ACMG Guidelines, 2015. Collection method: clinical testing. Allele origin: germline. Affected: no. Observed: 46 variant alleles.
Comment: This variant is classified as Benign based on local population frequency. This variant was detected in 48% of patients studied by a panel of primary immunodeficiencies. Number of patients: 46. Only high quality variants are reported.

GeneDx
Classification: Benign. Last evaluated: 2021-05-10. Review status: criteria provided, single submitter. Criteria: GeneDx Variant Classification Process June 2021. Collection method: clinical testing. Allele origin: germline. Affected: yes.

Breakthrough Genomics
Classification: Benign. Review status: criteria provided, single submitter. Criteria: ACMG Guidelines, 2015. Collection method: not provided. Allele origin: germline. Inheritance: Autosomal recessive inheritance. Affected: yes.